The following is an entry in ClinVar:

NM_024685.4(BBS10):c.1588A>G (p.Arg530Gly)

Gene: BBS10 (Bardet-Biedl syndrome 10; minus strand). Cytogenetic location: 12q21.2.
Variant type: single nucleotide variant.
Coding change: c.1588A>G on transcript NM_024685.4 (MANE Select); coding-DNA position 1588, A replaced by G.
Protein change: p.Arg530Gly; replaces arginine 530 with glycine.
Molecular consequence: missense variant.
Genome position (GRCh38, 1-based): chr12:76,346,397, T>C on the plus strand (A>G on the coding strand, the complement: BBS10 is on the minus strand). VCF-style: chr12-76346397-T-C. GRCh37 (hg19) VCF-style: chr12-76740177-T-C.
Other names: short protein forms R530G.
Identifiers: ClinVar variation 960603 (VCV000960603.9), dbSNP rs1951758303, ClinGen allele CA385810854.

ClinVar aggregate classification (germline): Uncertain significance (1 of 4 stars; one submission).

Conditions:
Bardet-Biedl syndrome (BBS). Identifiers: Orphanet 110, MedGen C0752166, MONDO:0015229.

Allele frequency attached by ClinVar (database versions not stated): gnomAD 0.00001.

Submission:

Labcorp Genetics (formerly Invitae), Labcorp
Classification: Uncertain significance for Bardet-Biedl syndrome. Last evaluated: 2019-08-29. Review status: criteria provided, single submitter. Criteria: Invitae Variant Classification Sherloc (09022015). Collection method: clinical testing. Allele origin: germline.
Comment: In summary, the available evidence is currently insufficient to determine the role of this variant in disease. Therefore, it has been classified as a Variant of Uncertain Significance. Algorithms developed to predict the effect of sequence changes on RNA splicing suggest that this variant may create or strengthen a splice site, but this prediction has not been confirmed by published transcriptional studies. Algorithms developed to predict the effect of missense changes on protein structure and function (SIFT, PolyPhen-2, Align-GVGD) all suggest that this variant is likely to be tolerated, but these predictions have not been confirmed by published functional studies and their clinical significance is uncertain. This variant has not been reported in the literature in individuals with BBS10-related conditions. This variant is not present in population databases (ExAC no frequency). This sequence change replaces arginine with glycine at codon 530 of the BBS10 protein (p.Arg530Gly). The arginine residue is weakly conserved and there is a moderate physicochemical difference between arginine and glycine.